The following is an entry in ClinVar:

ClinVar aggregate classification (germline): Uncertain significance (1 of 4 stars; one submission).

Conditions:
Developmental and epileptic encephalopathy, 12 (DEE12). Identifiers: MedGen C3150988, MONDO:0013389, OMIM 613722.

Submission:

Labcorp Genetics (formerly Invitae), Labcorp
Classification: Uncertain significance for Developmental and epileptic encephalopathy, 12. Last evaluated: 2020-07-30. Review status: criteria provided, single submitter. Criteria: Invitae Variant Classification Sherloc (09022015). Collection method: clinical testing. Allele origin: germline.
Comment: This variant is a gross deletion of the genomic region encompassing exons 14-17 of the PNKP gene. The 5' boundary is likely confined to intron 13. The 3' end of this event is unknown as it extends through the termination codon beyond the assayed region for this gene and may encompass additional genes. While this deletion is not anticipated to result in nonsense mediated decay, it is expected to create a truncated protein product or disrupt mRNA translation. This variant has not been reported in the literature in individuals with PNKP-related conditions. This variant disrupts the C-terminus of the PNKP protein. Other variant(s) that disrupt this region (p.Tyr515*) have been observed in individuals with PNKP-related conditions (PMID: 29498415). This suggests that this may be a clinically significant region of the protein. In summary, the available evidence is currently insufficient to determine the role of this variant in disease. Therefore, it has been classified as a Variant of Uncertain Significance.

Literature cited by the submitters: PubMed 29498415.

NC_000019.10:g.(?_49861228)_(49861901_?)del

Gene: PNKP (polynucleotide kinase 3'-phosphatase; minus strand). Cytogenetic location: 19q13.33.
Variant type: Deletion.
Identifiers: ClinVar variation 833244 (VCV000833244.10).